The following is an entry in ClinVar:

ClinVar aggregate classification (germline): Uncertain significance (1 of 4 stars; one submission).

Submission:

Dasa
Classification: Uncertain significance. Last evaluated: 2025-10-17. Review status: criteria provided, single submitter. Criteria: DASA Assertion Criteria. Collection method: clinical testing. Allele origin: germline.
Comment: NM_001357.5(DHX9):c.3532T>C (p.Ser1178Pro) is a missense variant that results in the substitution of serine with proline. This variant is absent from population databases. The currently available literature and clinical evidence are not sufficient to establish a definitive association between this variant and the reported condition. Therefore, this variant is classified as a variant of uncertain significance.

NM_001357.5(DHX9):c.3532T>C (p.Ser1178Pro)

Gene: DHX9 (DExH-box helicase 9; plus strand). Cytogenetic location: 1q25.3.
Variant type: single nucleotide variant.
Coding change: c.3532T>C on transcript NM_001357.5 (MANE Select); coding-DNA position 3532, T replaced by C.
Protein change: p.Ser1178Pro; replaces serine 1178 with proline.
Molecular consequence: missense variant. On other transcripts: non-coding transcript variant (1).
Genome position (GRCh38, 1-based): chr1:182,887,153, T>C. VCF-style: chr1-182887153-T-C. GRCh37 (hg19) VCF-style: chr1-182856288-T-C.
Other names: short protein forms S1178P.
Identifiers: ClinVar variation 4885242 (VCV004885242.2).